The following is an entry in ClinVar:

NM_014795.4(ZEB2):c.798G>A (p.Gly266=)

Gene: ZEB2 (zinc finger E-box binding homeobox 2; minus strand). Cytogenetic location: 2q22.3.
Variant type: single nucleotide variant.
Coding change: c.798G>A on transcript NM_014795.4 (MANE Select); coding-DNA position 798, G replaced by A.
Protein change: p.Gly266=; no amino-acid change (glycine 266 retained).
Molecular consequence: synonymous variant.
Genome position (GRCh38, 1-based): chr2:144,403,925, C>T on the plus strand (G>A on the coding strand, the complement: ZEB2 is on the minus strand). VCF-style: chr2-144403925-C-T. GRCh37 (hg19) VCF-style: chr2-145161492-C-T.
Other names: c.726G>A, p.Gly242= (NM_001171653.2).
Identifiers: ClinVar variation 390127 (VCV000390127.4), dbSNP rs34961586, ClinGen allele CA16603810.

ClinVar aggregate classification (germline): Likely benign. Review status: criteria provided, multiple submitters, no conflicts (2 of 4 stars). 2 submissions from 2 submitters: Likely benign (2). Last evaluated 2018-05-16.

Submissions (2):

Labcorp Genetics (formerly Invitae), Labcorp
Classification: Likely benign. Last evaluated: 2018-05-16. Review status: criteria provided, single submitter. Criteria: Invitae Variant Classification Sherloc (09022015). Collection method: clinical testing. Allele origin: germline.

GeneDx
Classification: Likely benign. Last evaluated: 2016-10-18. Review status: criteria provided, single submitter. Criteria: GeneDx Variant Classification (06012015). Collection method: clinical testing. Allele origin: germline. Affected: yes.
Comment: This variant is considered likely benign or benign based on one or more of the following criteria: it is a conservative change, it occurs at a poorly conserved position in the protein, it is predicted to be benign by multiple in silico algorithms, and/or has population frequency not consistent with disease.